The following is an entry in ClinVar:

ClinVar aggregate classification (germline): Likely pathogenic (1 of 4 stars; one submission).

Conditions:
Juvenile polyposis syndrome (JPS). Identifiers: Orphanet 2929, MedGen C0345893, MONDO:0017380, OMIM 174900.

Submission:

Labcorp Genetics (formerly Invitae), Labcorp
Classification: Likely pathogenic for Juvenile polyposis syndrome. Last evaluated: 2023-12-09. Review status: criteria provided, single submitter. Criteria: Invitae Variant Classification Sherloc (09022015). Collection method: clinical testing. Allele origin: germline.
Comment: This sequence change affects a donor splice site in intron 8 of the SMAD4 gene. It is expected to disrupt RNA splicing. Variants that disrupt the donor or acceptor splice site typically lead to a loss of protein function (PMID: 16199547), and loss-of-function variants in SMAD4 are known to be pathogenic (PMID: 16152648, 16436638, 22810475). This variant is not present in population databases (gnomAD no frequency). This variant has not been reported in the literature in individuals affected with SMAD4-related conditions. Algorithms developed to predict the effect of sequence changes on RNA splicing suggest that this variant may disrupt the consensus splice site. In summary, the currently available evidence indicates that the variant is pathogenic, but additional data are needed to prove that conclusively. Therefore, this variant has been classified as Likely Pathogenic.

Literature cited by the submitters: PubMed 16199547; PubMed 16152648; PubMed 16436638; PubMed 22810475.

NM_005359.6(SMAD4):c.955+1G>A

Gene: SMAD4 (SMAD family member 4; plus strand). Cytogenetic location: 18q21.2.
Variant type: single nucleotide variant.
Coding change: c.955+1G>A on transcript NM_005359.6 (MANE Select); the canonical splice donor site of the intron after coding-DNA position 955, G replaced by A.
Molecular consequence: splice donor variant.
Genome position (GRCh38, 1-based): chr18:51,059,917, G>A. VCF-style: chr18-51059917-G-A. GRCh37 (hg19) VCF-style: chr18-48586287-G-A.
Other names: c.955+1G>A (NM_001407042.1, NM_001407041.1, NM_001407043.1).
Identifiers: ClinVar variation 2797239 (VCV002797239.3), dbSNP rs2144433681, ClinGen allele CA402463781.